The following is an entry in ClinVar:

NM_000503.6(EYA1):c.1771T>A (p.Tyr591Asn)

Gene: EYA1 (EYA transcriptional coactivator and phosphatase 1; minus strand). Cytogenetic location: 8q13.3.
Variant type: single nucleotide variant.
Coding change: c.1771T>A on transcript NM_000503.6 (MANE Select); coding-DNA position 1771, T replaced by A.
Protein change: p.Tyr591Asn; replaces tyrosine 591 with asparagine.
Molecular consequence: missense variant.
Genome position (GRCh38, 1-based): chr8:71,199,348, A>T on the plus strand (T>A on the coding strand, the complement: EYA1 is on the minus strand). VCF-style: chr8-71199348-A-T. GRCh37 (hg19) VCF-style: chr8-72111583-A-T.
Other names: c.1753T>A, p.Tyr585Asn (NM_001288574.2, NM_172059.5); c.1405T>A, p.Tyr469Asn (NM_001288575.2); c.1858T>A, p.Tyr620Asn (NM_001370333.1); c.1771T>A, p.Tyr591Asn (NM_001370334.1, NM_001370335.1, NM_172058.4); c.1750T>A, p.Tyr584Asn (NM_001370336.1); c.1672T>A, p.Tyr558Asn (NM_001411797.1, NM_172060.4); short protein forms Y469N, Y558N, Y584N, Y585N, Y591N, Y620N.
Identifiers: ClinVar variation 2633645 (VCV002633645.1), dbSNP rs2537017064, ClinGen allele CA371273592.

ClinVar aggregate classification (germline): Uncertain significance (1 of 4 stars; one submission).

Conditions:
EYA1-related disorder. Also called: EYA1-related condition.

Submission:

PreventionGenetics, part of Exact Sciences
Classification: Uncertain significance for EYA1-related condition. Last evaluated: 2023-03-14. Review status: criteria provided, single submitter. Criteria: ACMG Guidelines, 2015. Collection method: clinical testing. Allele origin: germline.
Comment: The EYA1 c.1771T>A variant is predicted to result in the amino acid substitution p.Tyr591Asn. To our knowledge, this variant has not been reported in the literature or in a large population database, indicating this variant is rare. At this time, the clinical significance of this variant is uncertain due to the absence of conclusive functional and genetic evidence.